The following is an entry in ClinVar:

ClinVar aggregate classification (germline): Pathogenic (0 of 4 stars; one submission).

Submission:

GenMed Metabolism Lab
Classification: Pathogenic. Review status: no assertion criteria provided. Collection method: not provided. Allele origin: unknown.
ClinVar note: Converted during submission from pathogenic to Pathogenic.

NM_000531.6(OTC):c.717+1G>T

Gene: OTC (ornithine transcarbamylase; plus strand). Cytogenetic location: Xp11.4.
Variant type: single nucleotide variant.
Coding change: c.717+1G>T on transcript NM_000531.6 (MANE Select); the canonical splice donor site of the intron after coding-DNA position 717, G replaced by T.
Molecular consequence: splice donor variant.
Genome position (GRCh38, 1-based): chrX:38,408,796, G>T. VCF-style: chrX-38408796-G-T. GRCh37 (hg19) VCF-style: chrX-38268049-G-T.
Other names: c.717+1G>T (NM_001407092.1).
Identifiers: ClinVar variation 97298 (VCV000097298.2), dbSNP rs66500027, ClinGen allele CA224753.
Genomic context (GRCh38, chrX:38,408,796, plus strand): 5'-CTTTAGGGTTATGAGCCGGATGCTAGTGTAACCAAGTTGGCAGAGCAGTATGCCAAAGAG[G>T]TATGCTCTTTACATGTAAAGCTATTATTGCCTTTTACTGTCCCATGAAGTTATTTAACCA-3'